The following is an entry in ClinVar:

ClinVar aggregate classification (germline): Conflicting classifications of pathogenicity. Review status: criteria provided, conflicting classifications (1 of 4 stars). 4 submissions from 4 submitters: Pathogenic (1); Uncertain significance (2). 1 of the submissions does not count toward it. Last evaluated 2025-11-17.

Conditions:
ABCC6-related disorder. Also called: ABCC6-related condition.
Autosomal recessive inherited pseudoxanthoma elasticum (PXE). Identifiers: Orphanet 758, MedGen CN032334, MONDO:0009925, OMIM 264800.
Arterial calcification, generalized, of infancy, 2. Identifiers: Orphanet 51608, MedGen C3276161, MONDO:0013768, OMIM 614473.
Pseudoxanthoma elasticum, forme fruste. Also called: Pseudoxanthoma Elasticum, Incomplete; PSEUDOXANTHOMA ELASTICUM, HETEROZYGOUS. Identifiers: Orphanet 758, MedGen C1867450, MONDO:0008333, OMIM 177850.

Allele frequency attached by ClinVar (database versions not stated): ExAC 0.00001; gnomAD exomes 0.00002; TOPMed 0.00007; gnomAD 0.00011.
gnomAD v4.1: 41 of 1,614,064 alleles (0.0025%); highest among the groups gnomAD compares: Admixed American, 0.028%; no homozygotes.

Submissions (4):

Labcorp Genetics (formerly Invitae), Labcorp
Classification: Uncertain significance. Last evaluated: 2025-11-17. Review status: criteria provided, single submitter. Criteria: Invitae Variant Classification Sherloc (09022015). Collection method: clinical testing. Allele origin: germline.
Comment: This sequence change replaces arginine, which is basic and polar, with tryptophan, which is neutral and slightly polar, at codon 489 of the ABCC6 protein (p.Arg489Trp). This variant is present in population databases (rs754360599, gnomAD 0.01%). This missense change has been observed in individual(s) with clinical features of ABCC6-related conditions (PMID: 28186352, 32037395, 32873932, 33057194, 35982159). ClinVar contains an entry for this variant (Variation ID: 433473). Invitae Evidence Modeling of protein sequence and biophysical properties (such as structural, functional, and spatial information, amino acid conservation, physicochemical variation, residue mobility, and thermodynamic stability) indicates that this missense variant is expected to disrupt ABCC6 protein function with a positive predictive value of 95%. In summary, the available evidence is currently insufficient to determine the role of this variant in disease. Therefore, it has been classified as a Variant of Uncertain Significance.

Blueprint Genetics
Classification: Pathogenic for ABCC6-related disorders. Last evaluated: 2024-05-20. Review status: criteria provided, single submitter. Criteria: ACMG Guidelines, 2015. Collection method: clinical testing. Allele origin: germline. Affected: yes. Observed: 5 variant alleles.

Fulgent Genetics
Classification: Uncertain significance for Pseudoxanthoma elasticum, forme fruste; Autosomal recessive inherited pseudoxanthoma elasticum; Arterial calcification, generalized, of infancy, 2. Last evaluated: 2024-02-13. Review status: criteria provided, single submitter. Criteria: ACMG Guidelines, 2015. Collection method: clinical testing. Allele origin: germline.

PXE International
Classification: Uncertain significance for Autosomal recessive inherited pseudoxanthoma elasticum. Last evaluated: 2021-02-16. Review status: no assertion criteria provided. Collection method: research. Allele origin: germline. Inheritance: Autosomal recessive inheritance. Affected: yes. Observed: 2 variant alleles. Not counted in ClinVar's aggregate classification.

Literature cited by the submitters: PubMed 28186352 (cited by Labcorp Genetics (formerly Invitae), Labcorp); PubMed 32037395 (cited by Labcorp Genetics (formerly Invitae), Labcorp); PubMed 32873932 (cited by Labcorp Genetics (formerly Invitae), Labcorp and PXE International); PubMed 33057194 (cited by Labcorp Genetics (formerly Invitae), Labcorp); PubMed 35982159 (cited by Labcorp Genetics (formerly Invitae), Labcorp).

NM_001171.6(ABCC6):c.1465C>T (p.Arg489Trp)

Gene: ABCC6 (ATP binding cassette subfamily C member 6; minus strand). Cytogenetic location: 16p13.11.
Variant type: single nucleotide variant.
Coding change: c.1465C>T on transcript NM_001171.6 (MANE Select); coding-DNA position 1465, C replaced by T.
Protein change: p.Arg489Trp; replaces arginine 489 with tryptophan.
Molecular consequence: missense variant. On other transcripts: non-coding transcript variant (1).
Genome position (GRCh38, 1-based): chr16:16,190,334, G>A on the plus strand (C>T on the coding strand, the complement: ABCC6 is on the minus strand). VCF-style: chr16-16190334-G-A. GRCh37 (hg19) VCF-style: chr16-16284191-G-A.
Other names: c.1123C>T, p.Arg375Trp (NM_001351800.1); short protein forms R489W, R375W.
Identifiers: ClinVar variation 433473 (VCV000433473.8), dbSNP rs754360599, ClinGen allele CA7926291.
Genomic context (GRCh38, chr16:16,190,334, plus strand): 5'-CTCCCTCCCAGCCATGGAACTTGATGGTCTTCGAGTTCCTGAGGATAGAGCTGGTGAGCC[G>A]TGCCCGTGAGTCCTTCTGCCTCATTTGCTCCTCCTGGGATCGGAGGGAAAAAGAGAGATG-3'
Protein context (NP_001162.5, residues 479-499): EQMRQKDSRA[Arg489Trp]LTSSILRNSK